The following is an entry in ClinVar:

ClinVar aggregate classification (germline): Benign/Likely benign. Review status: criteria provided, multiple submitters, no conflicts (2 of 4 stars). 6 submissions from 6 submitters: Benign (1); Likely benign (5). Last evaluated 2026-01-04.

Conditions:
RNF213-related disorder. Also called: RNF213-related condition.

Allele frequency attached by ClinVar (database versions not stated): 1000 Genomes Project 0.00200; ExAC 0.00200; 1000 Genomes Project 30x 0.00219; TOPMed 0.00225; gnomAD 0.00255; ESP Exome Variant Server 0.00285.
gnomAD v4.1: 4,824 of 1,537,160 alleles (0.31%); highest among the groups gnomAD compares: Non-Finnish European, 0.39%; 10 homozygotes.

Submissions (6):

Labcorp Genetics (formerly Invitae), Labcorp
Classification: Likely benign. Last evaluated: 2026-01-04. Review status: criteria provided, single submitter. Criteria: Invitae Variant Classification Sherloc (09022015). Collection method: clinical testing. Allele origin: germline.

CeGaT Center for Human Genetics Tuebingen
Classification: Likely benign. Last evaluated: 2025-02-01. Review status: criteria provided, single submitter. Criteria: CeGaT Center For Human Genetics Tuebingen Variant Classification Criteria Version 2. Collection method: clinical testing. Allele origin: germline. Affected: yes. Observed: 3 variant alleles.
Comment: RNF213: BP4, BS2

PreventionGenetics, part of Exact Sciences
Classification: Likely benign for RNF213-related condition. Last evaluated: 2024-12-06. Review status: criteria provided, single submitter. Criteria: ACMG Guidelines, 2015. Collection method: clinical testing. Allele origin: germline.
Comment: This variant is classified as likely benign based on ACMG/AMP sequence variant interpretation guidelines (Richards et al. 2015 PMID: 25741868, with internal and published modifications).

Blueprint Genetics
Classification: Likely benign. Last evaluated: 2024-11-20. Review status: criteria provided, single submitter. Criteria: ACMG Guidelines, 2015. Collection method: clinical testing. Allele origin: germline.

Mayo Clinic Laboratories, Mayo Clinic
Classification: Benign. Last evaluated: 2024-10-11. Review status: criteria provided, single submitter. Criteria: ACMG Guidelines, 2015. Collection method: clinical testing. Allele origin: germline. Observed: 4 variant alleles.
Comment: BS1, BS2, BP4

Breakthrough Genomics
Classification: Likely benign. Review status: criteria provided, single submitter. Criteria: ACMG Guidelines, 2015. Collection method: not provided. Allele origin: germline. Inheritance: Autosomal dominant inheritance. Affected: yes.

NM_001256071.3(RNF213):c.4156G>A (p.Asp1386Asn)

Gene: RNF213 (ring finger protein 213; plus strand). Cytogenetic location: 17q25.3.
Variant type: single nucleotide variant.
Coding change: c.4156G>A on transcript NM_001256071.3 (MANE Select); coding-DNA position 4156, G replaced by A.
Protein change: p.Asp1386Asn; replaces aspartic acid 1386 with asparagine.
Molecular consequence: missense variant.
Genome position (GRCh38, 1-based): chr17:80,334,117, G>A. VCF-style: chr17-80334117-G-A. GRCh37 (hg19) VCF-style: chr17-78307917-G-A.
Other names: p.Asp1386Asn; short protein forms D1386N.
Identifiers: ClinVar variation 712295 (VCV000712295.45), dbSNP rs113139767, ClinGen allele CA8820229.
Genomic context (GRCh38, chr17:80,334,117, plus strand): 5'-GGGTTCTGGTTAATGAGTTCCAGTCCACAGTAGAGCTTTTTCTTGCAGACTGATAACTTC[G>A]ACGACTTTCGCCGTGAAACACTGGACCAGATCAACCAGGAGCTCATCCAGGCCAAAAAGC-3'
Protein context (NP_001243000.2, residues 1376-1396): NTLLNFTDNF[Asp1386Asn]DFRRETLDQI